The following is an entry in ClinVar:

ClinVar aggregate classification (germline): Conflicting classifications of pathogenicity. Review status: criteria provided, conflicting classifications (1 of 4 stars). 2 submissions from 2 submitters: Uncertain significance (1); Likely benign (1). Last evaluated 2025-12-20.

Conditions:
Inborn genetic diseases. Identifiers: MedGen C0950123, MeSH D030342.

Allele frequency attached by ClinVar (database versions not stated): gnomAD exomes below 0.00001.
gnomAD v4.1: 2 of 1,614,164 alleles (0.00012%); highest among the groups gnomAD compares: South Asian, 0.0011%; no homozygotes.

Submissions (2):

Ambry Genetics
Classification: Likely benign for Inborn genetic diseases. Last evaluated: 2025-12-20. Review status: criteria provided, single submitter. Criteria: Ambry Variant Classification Scheme 2023. Collection method: clinical testing. Allele origin: germline.

Labcorp Genetics (formerly Invitae), Labcorp
Classification: Uncertain significance. Last evaluated: 2025-09-02. Review status: criteria provided, single submitter. Criteria: Invitae Variant Classification Sherloc (09022015). Collection method: clinical testing. Allele origin: germline.
Comment: This sequence change replaces alanine, which is neutral and non-polar, with threonine, which is neutral and polar, at codon 1482 of the ASXL1 protein (p.Ala1482Thr). This variant is present in population databases (no rsID available, gnomAD 0.003%). This variant has not been reported in the literature in individuals affected with ASXL1-related conditions. ClinVar contains an entry for this variant (Variation ID: 3017910). An algorithm developed to predict the effect of missense changes on protein structure and function outputs the following: PolyPhen-2: "Benign". The threonine amino acid residue is found in multiple mammalian species, which suggests that this missense change does not adversely affect protein function. In summary, the available evidence is currently insufficient to determine the role of this variant in disease. Therefore, it has been classified as a Variant of Uncertain Significance.

NM_015338.6(ASXL1):c.4444G>A (p.Ala1482Thr)

Gene: ASXL1 (ASXL transcriptional regulator 1; plus strand). Cytogenetic location: 20q11.21.
Variant type: single nucleotide variant.
Coding change: c.4444G>A on transcript NM_015338.6 (MANE Select); coding-DNA position 4444, G replaced by A.
Protein change: p.Ala1482Thr; replaces alanine 1482 with threonine.
Molecular consequence: missense variant.
Genome position (GRCh38, 1-based): chr20:32,437,156, G>A. VCF-style: chr20-32437156-G-A. GRCh37 (hg19) VCF-style: chr20-31024959-G-A.
Other names: c.4261G>A, p.Ala1421Thr (NM_001363734.1); short protein forms A1482T, A1421T.
Identifiers: ClinVar variation 3017910 (VCV003017910.4), dbSNP rs1292214111, ClinGen allele CA408565176.